The following is an entry in ClinVar:

NM_001127208.3(TET2):c.2345A>G (p.Glu782Gly)

Genes: TET2 (tet methylcytosine dioxygenase 2; plus strand), TET2-AS1 (TET2 antisense RNA 1; minus strand). Cytogenetic location: 4q24.
Variant type: single nucleotide variant.
Coding change: c.2345A>G on transcript NM_001127208.3 (MANE Select); coding-DNA position 2345, A replaced by G.
Protein change: p.Glu782Gly; replaces glutamic acid 782 with glycine.
Molecular consequence: missense variant.
Genome position (GRCh38, 1-based): chr4:105,236,287, A>G. VCF-style: chr4-105236287-A-G. GRCh37 (hg19) VCF-style: chr4-106157444-A-G.
Other names: c.2345A>G, p.Glu782Gly (NM_017628.4); short protein forms E782G.
Identifiers: ClinVar variation 3967487 (VCV003967487.1).

ClinVar aggregate classification (germline): Uncertain significance (1 of 4 stars; one submission).

gnomAD v4.1: 5 of 1,614,012 alleles (0.00031%); highest among the groups gnomAD compares: Non-Finnish European, 0.00042%; no homozygotes.

Submission:

Ambry Genetics
Classification: Uncertain significance. Last evaluated: 2025-03-26. Review status: criteria provided, single submitter. Criteria: Ambry Variant Classification Scheme 2023. Collection method: clinical testing. Allele origin: germline.
Comment: The p.E782G variant (also known as c.2345A>G), located in coding exon 1 of the TET2 gene, results from an A to G substitution at nucleotide position 2345. The glutamic acid at codon 782 is replaced by glycine, an amino acid with similar properties. This amino acid position is conserved. In addition, this alteration is predicted to be tolerated by in silico analysis. Based on the available evidence, the clinical significance of this variant remains unclear.